The following is an entry in ClinVar:

ClinVar aggregate classification (germline): Likely benign. Review status: criteria provided, multiple submitters, no conflicts (2 of 4 stars). 6 submissions from 6 submitters: Likely benign (6). Last evaluated 2026-06-01.

Conditions:
Cardiovascular phenotype. Identifiers: MedGen CN230736.
Cardiomyopathy (CMYO). Also called: Cardiomyopathies. Identifiers: Orphanet 167848, MedGen C0878544, MONDO:0004994, HP:0001638. Inheritance: Various modes of inheritance.
Catecholaminergic polymorphic ventricular tachycardia 1. Also called: VENTRICULAR TACHYCARDIA, CATECHOLAMINERGIC POLYMORPHIC, 1, WITH OR WITHOUT ATRIAL DYSFUNCTION AND/OR DILATED CARDIOMYOPATHY; VENTRICULAR TACHYCARDIA, STRESS-INDUCED POLYMORPHIC 1; RYR2-Related Catecholaminergic Polymorphic Ventricular Tachycardia. Identifiers: Orphanet 3286, MedGen C1631597, MONDO:0011484, OMIM 604772.

Allele frequency attached by ClinVar (database versions not stated): gnomAD 0.00003; TOPMed 0.00006; ExAC 0.00020; gnomAD exomes 0.00024.
gnomAD v4.1: 70 of 1,613,630 alleles (0.0043%); highest among the groups gnomAD compares: Admixed American, 0.11%; no homozygotes.

Submissions (6):

CeGaT Center for Human Genetics Tuebingen
Classification: Likely benign. Last evaluated: 2026-06-01. Review status: criteria provided, single submitter. Criteria: CeGaT Center For Human Genetics Tuebingen Variant Classification Criteria Version 2. Collection method: clinical testing. Allele origin: germline. Affected: yes. Observed: 3 variant alleles.
Comment: RYR2: BS1

Labcorp Genetics (formerly Invitae), Labcorp
Classification: Likely benign for Catecholaminergic polymorphic ventricular tachycardia 1. Last evaluated: 2026-01-26. Review status: criteria provided, single submitter. Criteria: Invitae Variant Classification Sherloc (09022015). Collection method: clinical testing. Allele origin: germline.

Ambry Genetics
Classification: Likely benign for Cardiovascular phenotype. Last evaluated: 2021-02-23. Review status: criteria provided, single submitter. Criteria: Ambry Variant Classification Scheme 2023. Collection method: clinical testing. Allele origin: germline.

Women's Health and Genetics/Laboratory Corporation of America, LabCorp
Classification: Likely benign. Last evaluated: 2020-02-24. Review status: criteria provided, single submitter. Criteria: LabCorp Variant Classification Summary - May 2015. Collection method: clinical testing. Allele origin: germline.
Comment: Variant summary: RYR2 c.13672C>T (p.His4558Tyr) results in a conservative amino acid change located in the Ryanodine Receptor TM 4-6 domain of the encoded protein sequence. Four of five in-silico tools predict a benign effect of the variant on protein function. The variant allele was found at a frequency of 0.00024 in 249268 control chromosomes, predominantly at a frequency of 0.0017 within the Latino subpopulation in the gnomAD database. The observed variant frequency within Latino control individuals in the gnomAD database is approximately 28 fold of the estimated maximal expected allele frequency for a pathogenic variant in RYR2 causing Arrhythmia phenotype (6e-05), strongly suggesting that the variant is a benign polymorphism found primarily in populations of Latino origin. In the literature, the variant was detected in a patient with Catecholaminergic Polymorphic Ventricular Tachycardia who had other environmental risk factors (Diffley_2012), but has not been reported in other affected individuals via publications or databases. To our knowledge, no experimental evidence demonstrating an impact on protein function has been reported. Three clinical diagnostic laboratories have submitted clinical-significance assessments for this variant to ClinVar after 2014 without evidence for independent evaluation, two as likely benign and one as VUS. Based on the evidence outlined above, the variant was classified as likely benign.

Color Diagnostics, LLC DBA Color Health
Classification: Likely benign for Cardiomyopathy. Last evaluated: 2018-12-18. Review status: criteria provided, single submitter. Criteria: ACMG Guidelines, 2015. Collection method: clinical testing. Allele origin: germline.

Center for Advanced Laboratory Medicine, UC San Diego Health, University of California San Diego
Classification: Likely benign for Cardiomyopathy. Last evaluated: 2017-09-08. Review status: criteria provided, single submitter. Criteria: ACMG Guidelines, 2015. Collection method: clinical testing. Allele origin: germline. Affected: yes. Observed: 1 variant allele.

Literature cited by the submitters: PubMed 22584762 (cited by Ambry Genetics and Women's Health and Genetics/Laboratory Corporation of America, LabCorp); PubMed 27538377 (cited by Ambry Genetics and Women's Health and Genetics/Laboratory Corporation of America, LabCorp); PubMed 28404607 (cited by Ambry Genetics and Women's Health and Genetics/Laboratory Corporation of America, LabCorp).

NM_001035.3(RYR2):c.13672C>T (p.His4558Tyr)

Gene: RYR2 (ryanodine receptor 2; plus strand). Cytogenetic location: 1q43.
Variant type: single nucleotide variant.
Coding change: c.13672C>T on transcript NM_001035.3 (MANE Select); coding-DNA position 13672, C replaced by T.
Protein change: p.His4558Tyr; replaces histidine 4558 with tyrosine.
Molecular consequence: missense variant.
Genome position (GRCh38, 1-based): chr1:237,792,213, C>T. VCF-style: chr1-237792213-C-T. GRCh37 (hg19) VCF-style: chr1-237955513-C-T.
Other names: c.13672C>T, p.His4558Tyr (LRG_402t1); short protein forms H4558Y.
Identifiers: ClinVar variation 412834 (VCV000412834.22), dbSNP rs773264033, ClinGen allele CA085431.